The following is an entry in ClinVar:

NM_000179.2:c.3311_3312insSVA

Gene: MSH6 (mutS homolog 6; plus strand).
Variant type: Insertion.
Identifiers: ClinVar variation 1730092 (VCV001730092.2), dbSNP rs2530767443.

ClinVar aggregate classification (germline): Likely pathogenic (1 of 4 stars; one submission).

Conditions:
Hereditary cancer-predisposing syndrome. Also called: Neoplastic Syndromes, Hereditary; Tumor predisposition; Hereditary Cancer Syndrome; Hereditary neoplastic syndrome. Identifiers: Orphanet 140162, MedGen C0027672, MeSH D009386, MONDO:0015356.

Submission:

Ambry Genetics
Classification: Likely pathogenic for Hereditary cancer-predisposing syndrome. Last evaluated: 2022-08-27. Review status: criteria provided, single submitter. Criteria: Ambry Variant Classification Scheme 2023. Collection method: clinical testing. Allele origin: germline.
Comment: The c.3311_3312insSVA likely pathogenic variant results from the insertion of a SVA element between nucleotides c.3311 and c.3312 in coding exon 5 of the MSH6 gene. Mobile element insertions contribute to pathogenicity by either disrupting the coding sequence or inducing aberrant splicing (Belancio VP et al. Semin. Cancer Biol. 2010 Aug;20:200-10; Deininger P et al. Genome Biol. 2011 Dec;12:236; van der Klift HM Hum Mutat. 2012 Jul;33(7):1051-5). Based on the majority of available evidence to date, this variant is likely to be pathogenic.